The following is an entry in ClinVar:

NM_207404.4(ZNF662):c.334T>G (p.Ser112Ala)

Gene: ZNF662 (zinc finger protein 662; plus strand). Cytogenetic location: 3p22.1.
Variant type: single nucleotide variant.
Coding change: c.334T>G on transcript NM_207404.4 (MANE Select); coding-DNA position 334, T replaced by G.
Protein change: p.Ser112Ala; replaces serine 112 with alanine.
Molecular consequence: missense variant.
Genome position (GRCh38, 1-based): chr3:42,914,407, T>G. VCF-style: chr3-42914407-T-G. GRCh37 (hg19) VCF-style: chr3-42955899-T-G.
Other names: c.412T>G, p.Ser138Ala (NM_001134656.2); short protein forms S112A, S138A.
Identifiers: ClinVar variation 2653718 (VCV002653718.24), dbSNP rs149596515, ClinGen allele CA2339351.

ClinVar aggregate classification (germline): Likely benign (1 of 4 stars; one submission).

Allele frequency attached by ClinVar (database versions not stated): 1000 Genomes Project 30x 0.00047; 1000 Genomes Project 0.00060; ESP Exome Variant Server 0.00177; TOPMed 0.00190; gnomAD 0.00194.
gnomAD v4.1: 4,009 of 1,614,010 alleles (0.25%); highest among the groups gnomAD compares: Non-Finnish European, 0.29%; 9 homozygotes.

Submission:

CeGaT Center for Human Genetics Tuebingen
Classification: Likely benign. Last evaluated: 2023-10-01. Review status: criteria provided, single submitter. Criteria: CeGaT Center For Human Genetics Tuebingen Variant Classification Criteria Version 2. Collection method: clinical testing. Allele origin: germline. Affected: yes. Observed: 1 variant allele.
Comment: ZNF662: BP4, BS2